The following is an entry in ClinVar:

NM_007294.4(BRCA1):c.4426A>G (p.Lys1476Glu)

Gene: BRCA1 (BRCA1 DNA repair associated; minus strand). Cytogenetic location: 17q21.31.
Variant type: single nucleotide variant.
Coding change: c.4426A>G on transcript NM_007294.4 (MANE Select); coding-DNA position 4426, A replaced by G.
Protein change: p.Lys1476Glu; replaces lysine 1476 with glutamic acid.
Molecular consequence: missense variant. On other transcripts: non-coding transcript variant (1).
Genome position (GRCh38, 1-based): chr17:43,076,546, T>C on the plus strand (A>G on the coding strand, the complement: BRCA1 is on the minus strand). VCF-style: chr17-43076546-T-C. GRCh37 (hg19) VCF-style: chr17-41228563-T-C.
Other names: c.4423A>G, p.Lys1475Glu (NM_001407617.1, NM_001407619.1, NM_001407621.1 and 17 more transcripts); c.4045A>G, p.Lys1349Glu (NM_001407959.1); c.4042A>G, p.Lys1348Glu (NM_001407960.1, NM_001407962.1); c.3919A>G, p.Lys1307Glu (NM_001407965.1); c.4039A>G, p.Lys1347Glu (NM_001407963.1); c.3538A>G, p.Lys1180Glu (NM_001407966.1); c.4213A>G, p.Lys1405Glu (NM_001407571.1, NM_001407894.1, NM_001407895.1 and 12 more transcripts); c.4492A>G, p.Lys1498Glu (NM_001407581.1, NM_001407582.1); and 68 more; short protein forms K372E, K1429E, K1476E, K1497E, K1307E, K1404E, K1409E, K1433E.
Identifiers: ClinVar variation 921098 (VCV000921098.4), dbSNP rs2052729907, ClinGen allele CA10592685.

ClinVar aggregate classification (germline): Uncertain significance (1 of 4 stars; one submission).

Conditions:
Hereditary cancer-predisposing syndrome. Also called: Neoplastic Syndromes, Hereditary; Tumor predisposition; Hereditary Cancer Syndrome; Hereditary neoplastic syndrome. Identifiers: Orphanet 140162, MedGen C0027672, MeSH D009386, MONDO:0015356.

Submission:

Color Diagnostics, LLC DBA Color Health
Classification: Uncertain significance for Hereditary cancer-predisposing syndrome. Last evaluated: 2020-01-27. Review status: criteria provided, single submitter. Criteria: ACMG Guidelines, 2015. Collection method: clinical testing. Allele origin: germline.
Comment: This missense variant replaces lysine with glutamic acid at codon 1476 of the BRCA1 protein. Computational prediction tool suggests that this variant may not impact protein structure and function (internally defined REVEL score threshold ≤0.5, PMID: 27666373). Splice site prediction tools suggest that this variant may not impact RNA splicing. To our knowledge, functional studies have not been performed for this variant. This variant has not been reported in individuals affected with hereditary cancer in the literature. This variant has not been identified in the general population by the Genome Aggregation Database (gnomAD). The available evidence is insufficient to determine the role of this variant in disease conclusively. Therefore, this variant is classified as a Variant of Uncertain Significance.